The following is an entry in ClinVar:

NM_000040.3(APOC3):c.77C>T (p.Ala26Val)

Gene: APOC3 (apolipoprotein C3; plus strand). Cytogenetic location: 11q23.3.
Variant type: single nucleotide variant.
Coding change: c.77C>T on transcript NM_000040.3 (MANE Select); coding-DNA position 77, C replaced by T.
Protein change: p.Ala26Val; replaces alanine 26 with valine.
Molecular consequence: missense variant.
Genome position (GRCh38, 1-based): chr11:116,830,794, C>T. VCF-style: chr11-116830794-C-T. GRCh37 (hg19) VCF-style: chr11-116701510-C-T.
Other names: short protein forms A26V.
Identifiers: ClinVar variation 2565489 (VCV002565489.2), dbSNP rs2540277937, ClinGen allele CA382709860.
Genomic context (GRCh38, chr11:116,830,794, plus strand): 5'-GAGGCCGATCCACCCCACTCAGCCCTGCTCTTTCCTCAGGAGCTTCAGAGGCCGAGGATG[C>T]CTCCCTTCTCAGCTTCATGCAGGGTTACATGAAGCACGCCACCAAGACCGCCAAGGATGC-3'
Protein context (NP_000031.1, residues 16-36): ASARASEAED[Ala26Val]SLLSFMQGYM

ClinVar aggregate classification (germline): Uncertain significance (1 of 4 stars; one submission).

Conditions:
Cardiovascular phenotype. Identifiers: MedGen CN230736.

Submission:

Ambry Genetics
Classification: Uncertain significance for Cardiovascular phenotype. Last evaluated: 2023-05-21. Review status: criteria provided, single submitter. Criteria: Ambry Variant Classification Scheme 2023. Collection method: clinical testing. Allele origin: germline.
Comment: The p.A26V variant (also known as c.77C>T), located in coding exon 2 of the APOC3 gene, results from a C to T substitution at nucleotide position 77. The alanine at codon 26 is replaced by valine, an amino acid with similar properties. This amino acid position is conserved. In addition, this alteration is predicted to be tolerated by in silico analysis. Since supporting evidence is limited at this time, the clinical significance of this alteration remains unclear.